The following is an entry in ClinVar:

NM_020843.4(SCAPER):c.3601A>G (p.Thr1201Ala)

Gene: SCAPER (S-phase cyclin A associated protein in the ER; minus strand). Cytogenetic location: 15q24.3.
Variant type: single nucleotide variant.
Coding change: c.3601A>G on transcript NM_020843.4 (MANE Select); coding-DNA position 3601, A replaced by G.
Protein change: p.Thr1201Ala; replaces threonine 1201 with alanine.
Molecular consequence: missense variant. On other transcripts: non-coding transcript variant (1).
Genome position (GRCh38, 1-based): chr15:76,381,482, T>C on the plus strand (A>G on the coding strand, the complement: SCAPER is on the minus strand). VCF-style: chr15-76381482-T-C. GRCh37 (hg19) VCF-style: chr15-76673823-T-C.
Other names: c.2863A>G, p.Thr955Ala (NM_001145923.2); c.3619A>G, p.Thr1207Ala (NM_001353009.2); c.3199A>G, p.Thr1067Ala (NM_001353010.2, NM_001353012.2); c.3217A>G, p.Thr1073Ala (NM_001353011.2); short protein forms T1201A, T1073A, T955A, T1067A, T1207A.
Identifiers: ClinVar variation 5001019 (VCV005001019.1).

ClinVar aggregate classification (germline): Uncertain significance (1 of 4 stars; one submission).

Conditions:
SCAPER-related disorder. Also called: SCAPER-related condition.

Submission:

PreventionGenetics, part of Exact Sciences
Classification: Uncertain significance for SCAPER-related condition. Last evaluated: 2025-07-03. Review status: criteria provided, single submitter. Criteria: ACMG Guidelines, 2015. Collection method: clinical testing. Allele origin: germline.
Comment: The SCAPER c.3619A>G variant is predicted to result in the amino acid substitution p.Thr1207Ala. To our knowledge, this variant has not been reported in the literature or in a large population database (gnomAD), indicating this variant is rare. At this time, the clinical significance of this variant is uncertain due to the absence of conclusive functional and genetic evidence.